The following is an entry in ClinVar:

ClinVar aggregate classification (germline): Likely pathogenic. Review status: criteria provided, multiple submitters, no conflicts (2 of 4 stars). 4 submissions from 4 submitters: Likely pathogenic (4). Last evaluated 2025-05-23.

Conditions:
Gaucher disease. Also called: Acute cerebral Gaucher disease; Cerebroside lipidosis syndrome; Gaucher splenomegaly; Sphingolipidosis 1; Glucocerebrosidosis; Glucosylceramidase deficiency. Identifiers: Orphanet 355, MedGen C0017205, MONDO:0018150.
Gaucher disease type I (GD1). Also called: GD 1; GAUCHER DISEASE, NONCEREBRAL JUVENILE; GBA DEFICIENCY; GD I; GLUCOCEREBROSIDASE DEFICIENCY; Gaucher's disease, type 1. Identifiers: Orphanet 355, Orphanet 77259, MedGen C1961835, MONDO:0009265, OMIM 230800.

Allele frequency attached by ClinVar (database versions not stated): gnomAD exomes 0.00001 and 0.00002; ExAC 0.00003.
gnomAD v4.1: 7 of 1,613,658 alleles (0.00043%); highest among the groups gnomAD compares: South Asian, 0.0077%; no homozygotes.

Submissions (4):

Natera, Inc.
Classification: Likely pathogenic for Gaucher disease. Last evaluated: 2025-05-23. Review status: criteria provided, single submitter. Criteria: Natera Variant Classification Schema (03/2026). Collection method: clinical testing. Allele origin: germline.
Comment: The c.492C>G variant in GBA1 is a missense variant predicted to cause substitution of serine to arginine at amino acid 164. This variant is rare in the general population with a frequency below the threshold expected for the associated phenotype(s). This variant has been observed in one or more individuals affected with the associated recessive disease, as either homozygous or compound heterozygous with a second variant (PMID: 30764785, 30285649, 33301762, 29980418, 25482214). Computational prediction algorithms indicate this variant is likely to affect gene or protein function. Given the available evidence, this variant is classified as Likely Pathogenic.

Revvity Omics, Revvity
Classification: Likely pathogenic. Last evaluated: 2022-09-16. Review status: criteria provided, single submitter. Criteria: ACMG Guidelines, 2015. Collection method: clinical testing. Allele origin: germline.

Women's Health and Genetics/Laboratory Corporation of America, LabCorp
Classification: Likely pathogenic for Gaucher disease. Last evaluated: 2022-08-16. Review status: criteria provided, single submitter. Criteria: LabCorp Variant Classification Summary - May 2015. Collection method: clinical testing. Allele origin: germline.
Comment: Variant summary: GBA c.492C>G (p.Ser164Arg) results in a non-conservative amino acid change located in the Glycosyl hydrolase family 30, TIM-barrel domain (IPR033453) of the encoded protein sequence. Five of five in-silico tools predict a damaging effect of the variant on protein function. The variant allele was found at a frequency of 2e-05 in 251182 control chromosomes (gnomAD). c.492C>G (also known as S125R) has been reported in the literature as a homozygous and compound heterozygous genotype among individuals affected with Gaucher Disease (examples: Agarwal_2015, Hassan_2018, Sheth_2018 and Thomas_2021). These data indicate that the variant is likely to be associated with disease. To our knowledge, no experimental evidence demonstrating an impact on protein function has been reported. One clinical diagnostic laboratory has submitted clinical-significance assessments for this variant to ClinVar after 2014 and classified the variant as likely pathogenic. Based on the evidence outlined above, the variant was classified as likely pathogenic.

Neuberg Centre For Genomic Medicine, NCGM
Classification: Likely pathogenic for Gaucher disease type I. Review status: criteria provided, single submitter. Criteria: ACMG Guidelines, 2015. Collection method: clinical testing. Allele origin: germline. Affected: yes.
Comment: The missense variant p.S164R in GBA (NM_000157.3) has been reported previously in patients with Gaucher disease (Hassan et al, 2018; Sheth et al, 2019). The p.S164R variant is observed in 5/30,616 (0.0163%) alleles from individuals of South Asian background in gnomAD Exomes and is novel (not in any individuals) in 1000 Genomes. 3 variants within 6 amino acid positions of the variant p.S164R have been shown to be pathogenic, while none have been shown to be benign. The p.S164R missense variant is predicted to be damaging by both SIFT and PolyPhen2. The serine residue at codon 164 of GBA is conserved in all mammalian species. The nucleotide c.492 in GBA is predicted conserved by GERP++ and PhyloP across 100 vertebrates. For these reasons, this variant has been classified as Likely Pathogenic.

Literature cited by the submitters: PubMed 30764785 (cited by Natera, Inc.); PubMed 30285649 (cited by Natera, Inc. and Women's Health and Genetics/Laboratory Corporation of America, LabCorp); PubMed 33301762 (cited by Natera, Inc. and Women's Health and Genetics/Laboratory Corporation of America, LabCorp); PubMed 29980418 (cited by Natera, Inc. and Women's Health and Genetics/Laboratory Corporation of America, LabCorp); PubMed 25482214 (cited by Natera, Inc. and Women's Health and Genetics/Laboratory Corporation of America, LabCorp); PubMed 34280392 (cited by Women's Health and Genetics/Laboratory Corporation of America, LabCorp); PubMed 32707456 (cited by Women's Health and Genetics/Laboratory Corporation of America, LabCorp).

NM_000157.4(GBA1):c.492C>G (p.Ser164Arg)

Genes: GBA1 (glucosylceramidase beta 1; minus strand), LOC106627981 (GBA recombination region; plus strand). Cytogenetic location: 1q22.
Variant type: single nucleotide variant.
Coding change: c.492C>G on transcript NM_000157.4 (MANE Select); coding-DNA position 492, C replaced by G.
Protein change: p.Ser164Arg; replaces serine 164 with arginine.
Molecular consequence: missense variant.
Genome position (GRCh38, 1-based): chr1:155,238,613, G>C on the plus strand (C>G on the coding strand, the complement: GBA1 is on the minus strand). VCF-style: chr1-155238613-G-C. GRCh37 (hg19) VCF-style: chr1-155208404-G-C.
Other names: c.492C>G (NM_000157.3); c.492C>G, p.Ser164Arg (NM_001005741.3, NM_001005742.3); c.231C>G, p.Ser77Arg (NM_001171811.2); c.345C>G, p.Ser115Arg (NM_001171812.2); short protein forms S115R, S164R, S77R.
Identifiers: ClinVar variation 1339116 (VCV001339116.6), dbSNP rs746019841, ClinGen allele CA1141731.
Genomic context (GRCh38, chr1:155,238,613, plus strand): 5'-GTGCAACTGGAAATCATCAGGGGTGTCTGCATAGGTGTAGGTGCGGATGGAGAAGTCACA[G>C]CTGGCCATGGGTACCCGGATGATGTTATATCCGATTCCTACAGAAAAGGATGATCAAGAT-3'
Protein context (NP_000148.2, residues 154-174): GYNIIRVPMA[Ser164Arg]CDFSIRTYTY